The following is an entry in ClinVar:

NM_018341.3(ERMARD):c.582G>A (p.Ala194=)

Gene: ERMARD (ER membrane associated RNA degradation; plus strand). Cytogenetic location: 6q27.
Variant type: single nucleotide variant.
Coding change: c.582G>A on transcript NM_018341.3 (MANE Select); coding-DNA position 582, G replaced by A.
Protein change: p.Ala194=; no amino-acid change (alanine 194 retained).
Molecular consequence: synonymous variant.
Genome position (GRCh38, 1-based): chr6:169,759,042, G>A. VCF-style: chr6-169759042-G-A. GRCh37 (hg19) VCF-style: chr6-170159138-G-A.
Other names: c.582G>A, p.Ala194= (NM_001278531.2, NM_001278533.2); c.204G>A, p.Ala68= (NM_001278532.2).
Identifiers: ClinVar variation 732188 (VCV000732188.19), dbSNP rs143391187, ClinGen allele CA4105906.
Genomic context (GRCh38, chr6:169,759,042, plus strand): 5'-AGTCTTCGTTGGCTCTCCGTGTGGTCTCAACCTGCGTAACGTCTTATGGCATGGGTTTGC[G>A]TCACCTGAAGAAATTCCTCCAAAGTAAGTTGCAAGTGAAGACATTTTCTTCCTTTTTTGG-3'
Protein context (NP_060811.1, residues 184-204): NLRNVLWHGF[Ala194=]SPEEIPPKYC

ClinVar aggregate classification (germline): Likely benign. Review status: criteria provided, multiple submitters, no conflicts (2 of 4 stars). 3 submissions from 3 submitters: Likely benign (2). 1 of the submissions does not count toward it. Last evaluated 2025-03-01.

Conditions:
ERMARD-related disorder. Also called: ERMARD-related condition.

Allele frequency attached by ClinVar (database versions not stated): gnomAD 0.00066 and 0.00067; gnomAD exomes 0.00068 and 0.00125; TOPMed 0.00078; ExAC 0.00105; ESP Exome Variant Server 0.00108.
gnomAD v4.1: 1,153 of 1,613,880 alleles (0.071%); highest among the groups gnomAD compares: East Asian, 0.23%; 18 homozygotes.

Submissions (3):

CeGaT Center for Human Genetics Tuebingen
Classification: Likely benign. Last evaluated: 2025-03-01. Review status: criteria provided, single submitter. Criteria: CeGaT Center For Human Genetics Tuebingen Variant Classification Criteria Version 2. Collection method: clinical testing. Allele origin: germline. Affected: yes. Observed: 1 variant allele.
Comment: ERMARD: BP4, BP7

Labcorp Genetics (formerly Invitae), Labcorp
Classification: Likely benign. Last evaluated: 2024-08-05. Review status: criteria provided, single submitter. Criteria: Invitae Variant Classification Sherloc (09022015). Collection method: clinical testing. Allele origin: germline.

PreventionGenetics, part of Exact Sciences
Classification: Benign for ERMARD-related condition. Last evaluated: 2019-11-12. Review status: no assertion criteria provided. Collection method: clinical testing. Allele origin: germline. Not counted in ClinVar's aggregate classification.
Comment: This variant is classified as benign based on ACMG/AMP sequence variant interpretation guidelines (Richards et al. 2015 PMID: 25741868, with internal and published modifications).